The following is an entry in ClinVar:

NM_002335.4(LRP5):c.2529C>G (p.Asp843Glu)

Gene: LRP5 (LDL receptor related protein 5; plus strand). Cytogenetic location: 11q13.2.
Variant type: single nucleotide variant.
Coding change: c.2529C>G on transcript NM_002335.4 (MANE Select); coding-DNA position 2529, C replaced by G.
Protein change: p.Asp843Glu; replaces aspartic acid 843 with glutamic acid.
Molecular consequence: missense variant.
Genome position (GRCh38, 1-based): chr11:68,413,714, C>G. VCF-style: chr11-68413714-C-G. GRCh37 (hg19) VCF-style: chr11-68181182-C-G.
Other names: c.786C>G, p.Asp262Glu (NM_001291902.2); c.2529C>G (NM_002335.2); short protein forms D843E, D262E.
Identifiers: ClinVar variation 3600211 (VCV003600211.4).

ClinVar aggregate classification (germline): Uncertain significance. Review status: criteria provided, multiple submitters, no conflicts (2 of 4 stars). 3 submissions from 3 submitters: Uncertain significance (3). Last evaluated 2025-06-07.

Conditions:
Inborn genetic diseases. Identifiers: MedGen C0950123, MeSH D030342.
Polycystic liver disease 4 with or without kidney cysts. Identifiers: MedGen C4693479, MONDO:0044327, OMIM 617875.
Exudative vitreoretinopathy 4 (EVR4). Identifiers: Orphanet 891, MedGen C1866176, MONDO:0011151, OMIM 601813.
Worth disease. Also called: Autosomal dominant osteosclerosis, Worth type; ENDOSTEAL HYPEROSTOSIS, AUTOSOMAL DOMINANT; OSTEOSCLEROSIS, AUTOSOMAL DOMINANT. Identifiers: Orphanet 2790, MedGen C0432273, MONDO:0007764, OMIM 144750.
Bone mineral density quantitative trait locus 1 (BMND1). Identifiers: MedGen C1866079, OMIM 601884.
Autosomal dominant osteopetrosis 1 (OPTA1). Also called: OSTEOPETROSIS, AUTOSOMAL DOMINANT, TYPE I. Identifiers: Orphanet 2783, MedGen C1843330, MONDO:0011877, OMIM 607634.
Osteoporosis with pseudoglioma (OPPG). Also called: osteoporosis-pseudoglioma syndrome. Identifiers: Orphanet 2788, MedGen C0432252, MONDO:0009820, OMIM 259770.

gnomAD v4.1: 26 of 1,613,666 alleles (0.0016%); highest among the groups gnomAD compares: Admixed American, 0.005%; no homozygotes.

Submissions (3):

Ambry Genetics
Classification: Uncertain significance for Inborn genetic diseases. Last evaluated: 2025-06-07. Review status: criteria provided, single submitter. Criteria: Ambry Variant Classification Scheme 2023. Collection method: clinical testing. Allele origin: germline.

Labcorp Genetics (formerly Invitae), Labcorp
Classification: Uncertain significance. Last evaluated: 2024-10-19. Review status: criteria provided, single submitter. Criteria: Invitae Variant Classification Sherloc (09022015). Collection method: clinical testing. Allele origin: germline.
Comment: This sequence change replaces aspartic acid, which is acidic and polar, with glutamic acid, which is acidic and polar, at codon 843 of the LRP5 protein (p.Asp843Glu). This variant is present in population databases (no rsID available, gnomAD 0.006%). This variant has not been reported in the literature in individuals affected with LRP5-related conditions. Invitae Evidence Modeling of protein sequence and biophysical properties (such as structural, functional, and spatial information, amino acid conservation, physicochemical variation, residue mobility, and thermodynamic stability) indicates that this missense variant is not expected to disrupt LRP5 protein function with a negative predictive value of 95%. In summary, the available evidence is currently insufficient to determine the role of this variant in disease. Therefore, it has been classified as a Variant of Uncertain Significance.

Fulgent Genetics
Classification: Uncertain significance for Worth disease; Osteoporosis with pseudoglioma; Exudative vitreoretinopathy 4; Bone mineral density quantitative trait locus 1; Autosomal dominant osteopetrosis 1; Polycystic liver disease 4 with or without kidney cysts. Last evaluated: 2024-03-28. Review status: criteria provided, single submitter. Criteria: ACMG Guidelines, 2015. Collection method: clinical testing. Allele origin: germline.